The following is an entry in ClinVar:

ClinVar aggregate classification (germline): Uncertain significance. Review status: criteria provided, multiple submitters, no conflicts (2 of 4 stars). 2 submissions from 2 submitters: Uncertain significance (2). Last evaluated 2025-03-04.

Conditions:
Mendelian susceptibility to mycobacterial diseases due to complete IL12RB1 deficiency. Also called: Immunodeficiency 30; IL12RB1 DEFICIENCY. Identifiers: Orphanet 319552, MedGen C4013949, MONDO:0013955, OMIM 614891.

Allele frequency attached by ClinVar (database versions not stated): gnomAD exomes 0.00014 and 0.00016; TOPMed 0.00023; gnomAD 0.00019; ESP Exome Variant Server 0.00008; ExAC 0.00016.
gnomAD v4.1: 243 of 1,614,022 alleles (0.015%); highest among the groups gnomAD compares: Middle Eastern, 0.082%; 2 homozygotes.

Submissions (2):

Center for Genomic Medicine, Rigshospitalet, Copenhagen University Hospital
Classification: Uncertain significance. Last evaluated: 2025-03-04. Review status: criteria provided, single submitter. Criteria: ACMG Guidelines, 2015. Collection method: clinical testing. Allele origin: germline.

Labcorp Genetics (formerly Invitae), Labcorp
Classification: Uncertain significance for Mendelian susceptibility to mycobacterial diseases due to complete IL12RB1 deficiency. Last evaluated: 2022-09-01. Review status: criteria provided, single submitter. Criteria: Invitae Variant Classification Sherloc (09022015). Collection method: clinical testing. Allele origin: germline.
Comment: This sequence change replaces threonine, which is neutral and polar, with methionine, which is neutral and non-polar, at codon 278 of the IL12RB1 protein (p.Thr278Met). This variant is present in population databases (rs201223132, gnomAD 0.04%). This variant has not been reported in the literature in individuals affected with IL12RB1-related conditions. ClinVar contains an entry for this variant (Variation ID: 662566). Algorithms developed to predict the effect of missense changes on protein structure and function output the following: SIFT: "Tolerated"; PolyPhen-2: "Benign"; Align-GVGD: "Class C0". The methionine amino acid residue is found in multiple mammalian species, which suggests that this missense change does not adversely affect protein function. In summary, the available evidence is currently insufficient to determine the role of this variant in disease. Therefore, it has been classified as a Variant of Uncertain Significance.

NM_005535.3(IL12RB1):c.833C>T (p.Thr278Met)

Gene: IL12RB1 (interleukin 12 receptor subunit beta 1; minus strand). Cytogenetic location: 19p13.11.
Variant type: single nucleotide variant.
Coding change: c.833C>T on transcript NM_005535.3 (MANE Select); coding-DNA position 833, C replaced by T.
Protein change: p.Thr278Met; replaces threonine 278 with methionine.
Molecular consequence: missense variant.
Genome position (GRCh38, 1-based): chr19:18,072,300, G>A on the plus strand (C>T on the coding strand, the complement: IL12RB1 is on the minus strand). VCF-style: chr19-18072300-G-A. GRCh37 (hg19) VCF-style: chr19-18183110-G-A.
Other names: c.833C>T, p.Thr278Met (NM_001290023.2, NM_153701.3); c.953C>T, p.Thr318Met (NM_001290024.2); short protein forms T318M, T278M.
Identifiers: ClinVar variation 662566 (VCV000662566.7), dbSNP rs201223132, ClinGen allele CA9305049.
Genomic context (GRCh38, chr19:18,072,300, plus strand): 5'-GTGGCCTTGGCCTTACACGGGCAGGACAGCATGTGGAGCTGTAGTCGGTAAGTGACCTCC[G>A]TGCCAGGCGCCAGCCCTTGACAGCCTTCTGGAAGCTCCAGCTGGGTTGGCTGTCAGGAGT-3'
Protein context (NP_005526.1, residues 268-288): PEGCQGLAPG[Thr278Met]EVTYRLQLHM